The following is an entry in ClinVar:

ClinVar aggregate classification (germline): Likely benign. Review status: criteria provided, multiple submitters, no conflicts (2 of 4 stars). 3 submissions from 3 submitters: Likely benign (3). Last evaluated 2025-10-06.

Conditions:
Adams-Oliver syndrome 5 (AOS5). Identifiers: Orphanet 974, MedGen C4014970, MONDO:0014459, OMIM 616028.
Familial thoracic aortic aneurysm and aortic dissection (TAAD). Also called: Thoracic aortic aneurysms and dissections. Identifiers: Orphanet 91387, MedGen C4707243, MONDO:0019625.

Allele frequency attached by ClinVar (database versions not stated): gnomAD exomes below 0.00001; ExAC 0.00001; gnomAD 0.00001; TOPMed 0.00002; 1000 Genomes Project 30x 0.00016.
gnomAD v4.1: 13 of 1,612,936 alleles (0.00081%); highest among the groups gnomAD compares: East Asian, 0.0045%; no homozygotes.

Submissions (3):

Labcorp Genetics (formerly Invitae), Labcorp
Classification: Likely benign for Adams-Oliver syndrome 5. Last evaluated: 2025-10-06. Review status: criteria provided, single submitter. Criteria: Invitae Variant Classification Sherloc (09022015). Collection method: clinical testing. Allele origin: germline.

CeGaT Center for Human Genetics Tuebingen
Classification: Likely benign. Last evaluated: 2025-09-01. Review status: criteria provided, single submitter. Criteria: CeGaT Center For Human Genetics Tuebingen Variant Classification Criteria Version 2. Collection method: clinical testing. Allele origin: germline. Affected: yes. Observed: 1 variant allele.
Comment: NOTCH1: BP4, BP7

Ambry Genetics
Classification: Likely benign for Familial thoracic aortic aneurysm and aortic dissection. Last evaluated: 2025-02-27. Review status: criteria provided, single submitter. Criteria: Ambry Variant Classification Scheme 2023. Collection method: clinical testing. Allele origin: germline.

NM_017617.5(NOTCH1):c.6924C>T (p.Cys2308=)

Gene: NOTCH1 (notch receptor 1; minus strand). Cytogenetic location: 9q34.3.
Variant type: single nucleotide variant.
Coding change: c.6924C>T on transcript NM_017617.5 (MANE Select); coding-DNA position 6924, C replaced by T.
Protein change: p.Cys2308=; no amino-acid change (cysteine 2308 retained).
Molecular consequence: synonymous variant.
Genome position (GRCh38, 1-based): chr9:136,496,815, G>A on the plus strand (C>T on the coding strand, the complement: NOTCH1 is on the minus strand). VCF-style: chr9-136496815-G-A. GRCh37 (hg19) VCF-style: chr9-139391267-G-A.
Other names: c.6924C>T, p.Cys2308= (LRG_1122t1).
Identifiers: ClinVar variation 477965 (VCV000477965.18), dbSNP rs756653663, ClinGen allele CA5339790.